The following is an entry in ClinVar:

NM_015662.3(IFT172):c.1838C>A (p.Ala613Asp)

Gene: IFT172 (intraflagellar transport 172; minus strand). Cytogenetic location: 2p23.3.
Variant type: single nucleotide variant.
Coding change: c.1838C>A on transcript NM_015662.3 (MANE Select); coding-DNA position 1838, C replaced by A.
Protein change: p.Ala613Asp; replaces alanine 613 with aspartic acid.
Molecular consequence: missense variant.
Genome position (GRCh38, 1-based): chr2:27,465,510, G>T on the plus strand (C>A on the coding strand, the complement: IFT172 is on the minus strand). VCF-style: chr2-27465510-G-T. GRCh37 (hg19) VCF-style: chr2-27688377-G-T.
Other names: c.1772C>A, p.Ala591Asp (NM_001410739.1); c.1838C>A (NM_015662.1); short protein forms A591D, A613D.
Identifiers: ClinVar variation 1927072 (VCV001927072.6), dbSNP rs750055951, ClinGen allele CA346386669.
Genomic context (GRCh38, chr2:27,465,510, plus strand): 5'-TTACTCAAGGTTTTCCACATTGCCTCTGTTTCTGGGGTCATTTCCAGAGTCTCTAAGAAG[G>T]CTGTTGCCCTGGAAAGGGAAGGAAGCAAAGCATAATGAATGAGGAATGGGTTAGGAAGAT-3'
Protein context (NP_056477.1, residues 603-623): IDDGNYIRAT[Ala613Asp]FLETLEMTPE

ClinVar aggregate classification (germline): Uncertain significance. Review status: criteria provided, multiple submitters, no conflicts (2 of 4 stars). 2 submissions from 2 submitters: Uncertain significance (2). Last evaluated 2025-08-11.

Conditions:
Inborn genetic diseases. Identifiers: MedGen C0950123, MeSH D030342.
Short-rib thoracic dysplasia 10 with or without polydactyly (SRTD10). Identifiers: Orphanet 474, MedGen C3810175, MONDO:0014284, OMIM 615630.
Retinitis pigmentosa 71 (RP71). Identifiers: Orphanet 791, MedGen C4225342, MONDO:0014618, OMIM 616394.

Submissions (2):

Ambry Genetics
Classification: Uncertain significance for Inborn genetic diseases. Last evaluated: 2025-08-11. Review status: criteria provided, single submitter. Criteria: Ambry Variant Classification Scheme 2023. Collection method: clinical testing. Allele origin: germline.

Labcorp Genetics (formerly Invitae), Labcorp
Classification: Uncertain significance for Retinitis pigmentosa 71; Short-rib thoracic dysplasia 10 with or without polydactyly. Last evaluated: 2022-06-08. Review status: criteria provided, single submitter. Criteria: Invitae Variant Classification Sherloc (09022015). Collection method: clinical testing. Allele origin: germline.
Comment: In summary, the available evidence is currently insufficient to determine the role of this variant in disease. Therefore, it has been classified as a Variant of Uncertain Significance. Algorithms developed to predict the effect of missense changes on protein structure and function (SIFT, PolyPhen-2, Align-GVGD) all suggest that this variant is likely to be tolerated. This variant has not been reported in the literature in individuals affected with IFT172-related conditions. This variant is not present in population databases (gnomAD no frequency). This sequence change replaces alanine, which is neutral and non-polar, with aspartic acid, which is acidic and polar, at codon 613 of the IFT172 protein (p.Ala613Asp).